The following is an entry in ClinVar:

ClinVar aggregate classification (germline): Pathogenic (1 of 4 stars; one submission).

Submission:

Labcorp Genetics (formerly Invitae), Labcorp
Classification: Pathogenic. Last evaluated: 2025-08-21. Review status: criteria provided, single submitter. Criteria: Invitae Variant Classification Sherloc (09022015). Collection method: clinical testing. Allele origin: germline.
Comment: This sequence change creates a premature translational stop signal (p.Lys1706Asnfs*3) in the SI gene. It is expected to result in an absent or disrupted protein product. Loss-of-function variants in SI are known to be pathogenic (PMID: 16329100, 23103650, 25452324). This variant is not present in population databases (gnomAD no frequency). This variant has not been reported in the literature in individuals affected with SI-related conditions. ClinVar contains an entry for this variant (Variation ID: 2108532). For these reasons, this variant has been classified as Pathogenic.

Literature cited by the submitters: PubMed 16329100; PubMed 23103650; PubMed 25452324.

NM_001041.4(SI):c.5118del (p.Lys1706fs)

Gene: SI (sucrase-isomaltase; minus strand). Cytogenetic location: 3q26.1.
Variant type: Deletion.
Coding change: c.5118del on transcript NM_001041.4 (MANE Select); coding-DNA position 5118, one base deleted (A; older notation c.5118delA).
Protein change: p.Lys1706fs; shifts the reading frame from lysine 1706.
Molecular consequence: frameshift variant.
Genome position (GRCh38, 1-based): chr3:164,987,217, T deleted on the plus strand (A on the coding strand, the reverse complement: SI is on the minus strand); the first of 5 consecutive T bases (chr3:164,987,217-164,987,221); deleting any one gives the same sequence. VCF-style (leftmost placement, unchanged base first): chr3-164987216-GT-G. GRCh37 (hg19) VCF-style: chr3-164705004-GT-G.
Other names: short protein forms K1706fs.
Identifiers: ClinVar variation 2108532 (VCV002108532.4), dbSNP rs2473314623, ClinGen allele CA2577983466.
Genomic context (GRCh38, chr3:164,987,216, plus strand): 5'-CCCAAAACAGAGAACCCTGTGCCATCTGATTATCATCTGCAGCAACAATGAGCTTCATGT[GT>G]TTTTGTCGACTATAAGAAAGAAATATATAATTTTACCCATGTTTGTAGAATAGCATATGT-3'